The following is an entry in ClinVar:

NM_001003841.3(SLC6A19):c.1737G>A (p.Pro579=)

Gene: SLC6A19 (solute carrier family 6 member 19; plus strand). Cytogenetic location: 5p15.33.
Variant type: single nucleotide variant.
Coding change: c.1737G>A on transcript NM_001003841.3 (MANE Select); coding-DNA position 1737, G replaced by A.
Protein change: p.Pro579=; no amino-acid change (proline 579 retained).
Molecular consequence: synonymous variant.
Genome position (GRCh38, 1-based): chr5:1,221,736, G>A. VCF-style: chr5-1221736-G-A. GRCh37 (hg19) VCF-style: chr5-1221851-G-A.
Identifiers: ClinVar variation 709027 (VCV000709027.13), dbSNP rs140488701, ClinGen allele CA3183291.
Genomic context (GRCh38, chr5:1,221,736, plus strand): 5'-CTCACCCATGGGGCTCTCTCCCCAGGAGGAATTTCCCAAATCCCAGAAGATCTCCTACCC[G>A]AACTGGGTGTATGTGGTGGTGGTGATTGTGGCTGGAGTGCCCTCCCTCACCATCCCTGGC-3'
Protein context (NP_001003841.1, residues 569-589): EFPKSQKISY[Pro579=]NWVYVVVVIV

ClinVar aggregate classification (germline): Likely benign. Review status: criteria provided, multiple submitters, no conflicts (2 of 4 stars). 4 submissions from 4 submitters: Likely benign (3). 1 of the submissions does not count toward it. Last evaluated 2026-05-01.

Conditions:
SLC6A19-related disorder. Also called: SLC6A19-related condition.

Allele frequency attached by ClinVar (database versions not stated): gnomAD 0.00064; ESP Exome Variant Server 0.00085; TOPMed 0.00096.
gnomAD v4.1: 240 of 1,614,058 alleles (0.015%); highest among the groups gnomAD compares: African/African-American, 0.26%; 3 homozygotes.

Submissions (4):

CeGaT Center for Human Genetics Tuebingen
Classification: Likely benign. Last evaluated: 2026-05-01. Review status: criteria provided, single submitter. Criteria: CeGaT Center For Human Genetics Tuebingen Variant Classification Criteria Version 2. Collection method: clinical testing. Allele origin: germline. Affected: yes. Observed: 1 variant allele.
Comment: SLC6A19: BP4, BP7

Labcorp Genetics (formerly Invitae), Labcorp
Classification: Likely benign. Last evaluated: 2025-11-21. Review status: criteria provided, single submitter. Criteria: Invitae Variant Classification Sherloc (09022015). Collection method: clinical testing. Allele origin: germline.

Blueprint Genetics
Classification: Likely benign. Last evaluated: 2023-12-27. Review status: criteria provided, single submitter. Criteria: ACMG Guidelines, 2015. Collection method: clinical testing. Allele origin: germline.

PreventionGenetics, part of Exact Sciences
Classification: Likely benign for SLC6A19-related condition. Last evaluated: 2019-08-22. Review status: no assertion criteria provided. Collection method: clinical testing. Allele origin: germline. Not counted in ClinVar's aggregate classification.
Comment: This variant is classified as likely benign based on ACMG/AMP sequence variant interpretation guidelines (Richards et al. 2015 PMID: 25741868, with internal and published modifications).